The following is an entry in ClinVar:

ClinVar aggregate classification (germline): Uncertain significance (1 of 4 stars; one submission).

Conditions:
Inborn genetic diseases. Identifiers: MedGen C0950123, MeSH D030342.

Submission:

Ambry Genetics
Classification: Uncertain significance for Inborn genetic diseases. Last evaluated: 2025-09-28. Review status: criteria provided, single submitter. Criteria: Ambry Variant Classification Scheme 2023. Collection method: clinical testing. Allele origin: germline.
Comment: The p.D544E variant (also known as c.1632T>G), located in coding exon 12 of the ASXL1 gene, results from a T to G substitution at nucleotide position 1632. The aspartic acid at codon 544 is replaced by glutamic acid, an amino acid with highly similar properties. This amino acid position is conserved. In addition, this alteration is predicted to be tolerated by in silico analysis. Based on the available evidence, the clinical significance of this variant remains unclear.

NM_015338.6(ASXL1):c.1632T>G (p.Asp544Glu)

Gene: ASXL1 (ASXL transcriptional regulator 1; plus strand). Cytogenetic location: 20q11.21.
Variant type: single nucleotide variant.
Coding change: c.1632T>G on transcript NM_015338.6 (MANE Select); coding-DNA position 1632, T replaced by G.
Protein change: p.Asp544Glu; replaces aspartic acid 544 with glutamic acid.
Molecular consequence: missense variant.
Genome position (GRCh38, 1-based): chr20:32,433,830, T>G. VCF-style: chr20-32433830-T-G. GRCh37 (hg19) VCF-style: chr20-31021633-T-G.
Other names: c.1449T>G, p.Asp483Glu (NM_001363734.1); short protein forms D483E, D544E.
Identifiers: ClinVar variation 4587473 (VCV004587473.1).